The following is an entry in ClinVar:

NM_000262.3(NAGA):c.324C>T (p.Tyr108=)

Genes: NAGA (alpha-N-acetylgalactosaminidase; minus strand), LOC126863160 (CDK7 strongly-dependent group 2 enhancer GRCh37_chr22:42462918-42464117; plus strand). Cytogenetic location: 22q13.2.
Variant type: single nucleotide variant.
Coding change: c.324C>T on transcript NM_000262.3 (MANE Select); coding-DNA position 324, C replaced by T.
Protein change: p.Tyr108=; no amino-acid change (tyrosine 108 retained).
Molecular consequence: synonymous variant.
Genome position (GRCh38, 1-based): chr22:42,067,765, G>A on the plus strand (C>T on the coding strand, the complement: NAGA is on the minus strand). VCF-style: chr22-42067765-G-A. GRCh37 (hg19) VCF-style: chr22-42463769-G-A.
Other names: c.324C>T, p.Tyr108= (NM_001362848.1, NM_001362850.1).
Identifiers: ClinVar variation 900504 (VCV000900504.7), dbSNP rs182798205, ClinGen allele CA10263871.

ClinVar aggregate classification (germline): Uncertain significance. Review status: criteria provided, multiple submitters, no conflicts (2 of 4 stars). 4 submissions from 3 submitters: Uncertain significance (3). 1 of the submissions does not count toward it. Last evaluated 2022-06-28.

Conditions:
Alpha-N-acetylgalactosaminidase deficiency type 1. Also called: SCHINDLER DISEASE, TYPE I; ALPHA-N-ACETYLGALACTOSAMINIDASE DEFICIENCY, TYPE I; NAGA DEFICIENCY, TYPE I; NEUROAXONAL DYSTROPHY, SCHINDLER TYPE. Identifiers: Orphanet 3137, Orphanet 79279, Orphanet 79281, MedGen C1836544, MONDO:0012221, OMIM 609241.
Alpha-N-acetylgalactosaminidase deficiency type 2. Also called: ALPHA-N-ACETYLGALACTOSAMINIDASE DEFICIENCY, TYPE II; NAGA DEFICIENCY, TYPE II; SCHINDLER DISEASE, TYPE II. Identifiers: Orphanet 3137, Orphanet 79280, MedGen C1836522, MONDO:0012222, OMIM 609242.
NAGA-related disorder. Also called: NAGA-related disorders; NAGA-related condition. Identifiers: MedGen CN378768.

Allele frequency attached by ClinVar (database versions not stated): ExAC 0.00012; TOPMed 0.00010; 1000 Genomes Project 30x 0.00016; gnomAD 0.00004; gnomAD exomes 0.00007 and 0.00012; 1000 Genomes Project 0.00020.
gnomAD v4.1: 114 of 1,611,758 alleles (0.0071%); highest among the groups gnomAD compares: South Asian, 0.046%; no homozygotes.

Submissions (4):

Labcorp Genetics (formerly Invitae), Labcorp
Classification: Uncertain significance for Alpha-N-acetylgalactosaminidase deficiency type 1. Last evaluated: 2022-06-28. Review status: criteria provided, single submitter. Criteria: Invitae Variant Classification Sherloc (09022015). Collection method: clinical testing. Allele origin: germline.
Comment: This sequence change affects codon 108 of the NAGA mRNA. It is a 'silent' change, meaning that it does not change the encoded amino acid sequence of the NAGA protein. It affects a nucleotide within the consensus splice site. This variant is present in population databases (rs182798205, gnomAD 0.04%). This variant has not been reported in the literature in individuals affected with NAGA-related conditions. ClinVar contains an entry for this variant (Variation ID: 900504). Algorithms developed to predict the effect of sequence changes on RNA splicing suggest that this variant is not likely to affect RNA splicing. In summary, the available evidence is currently insufficient to determine the role of this variant in disease. Therefore, it has been classified as a Variant of Uncertain Significance.

Illumina Laboratory Services, Illumina
Classification: Uncertain significance for Alpha-N-acetylgalactosaminidase deficiency type 2. Last evaluated: 2018-01-13. Review status: criteria provided, single submitter. Criteria: ICSL Variant Classification Criteria 13 December 2019. Collection method: clinical testing. Allele origin: germline.

Illumina Laboratory Services, Illumina
Classification: Uncertain significance for Alpha-N-acetylgalactosaminidase deficiency type 1. Last evaluated: 2018-01-13. Review status: criteria provided, single submitter. Criteria: ICSL Variant Classification Criteria 13 December 2019. Collection method: clinical testing. Allele origin: germline.

PreventionGenetics, part of Exact Sciences
Classification: Likely benign for NAGA-related condition. Last evaluated: 2020-01-03. Review status: no assertion criteria provided. Collection method: clinical testing. Allele origin: germline. Not counted in ClinVar's aggregate classification.
Comment: This variant is classified as likely benign based on ACMG/AMP sequence variant interpretation guidelines (Richards et al. 2015 PMID: 25741868, with internal and published modifications).